The following is an entry in ClinVar:

ClinVar aggregate classification (germline): Uncertain significance. Review status: criteria provided, multiple submitters, no conflicts (2 of 4 stars). 5 submissions from 5 submitters: Uncertain significance (5). Last evaluated 2026-01-06.

Conditions:
Rhabdoid tumor predisposition syndrome 2 (RTPS2). Identifiers: Orphanet 231108, Orphanet 69077, MedGen C2750074, MONDO:0013224, OMIM 613325.
Intellectual disability, autosomal dominant 16 (CSS4). Also called: COFFIN-SIRIS SYNDROME 4. Identifiers: Orphanet 1465, MedGen C3553249, MONDO:0013821, OMIM 614609.
Hereditary cancer-predisposing syndrome. Also called: Neoplastic Syndromes, Hereditary; Tumor predisposition; Hereditary neoplastic syndrome; Hereditary Cancer Syndrome. Identifiers: Orphanet 140162, MedGen C0027672, MeSH D009386, MONDO:0015356.

Submissions (5):

Labcorp Genetics (formerly Invitae), Labcorp
Classification: Uncertain significance for Rhabdoid tumor predisposition syndrome 2. Last evaluated: 2026-01-06. Review status: criteria provided, single submitter. Criteria: Invitae Variant Classification Sherloc (09022015). Collection method: clinical testing. Allele origin: germline.
Comment: This sequence change replaces serine, which is neutral and polar, with proline, which is neutral and non-polar, at codon 140 of the SMARCA4 protein (p.Ser140Pro). This variant is present in population databases (no rsID available, gnomAD 0.007%). This variant has not been reported in the literature in individuals affected with SMARCA4-related conditions. ClinVar contains an entry for this variant (Variation ID: 824657). Invitae Evidence Modeling of protein sequence and biophysical properties (such as structural, functional, and spatial information, amino acid conservation, physicochemical variation, residue mobility, and thermodynamic stability) indicates that this missense variant is not expected to disrupt SMARCA4 protein function with a negative predictive value of 95%. In summary, the available evidence is currently insufficient to determine the role of this variant in disease. Therefore, it has been classified as a Variant of Uncertain Significance.

Ambry Genetics
Classification: Uncertain significance for Hereditary cancer-predisposing syndrome. Last evaluated: 2025-11-19. Review status: criteria provided, single submitter. Criteria: Ambry Variant Classification Scheme 2023. Collection method: clinical testing. Allele origin: germline.

Helix
Classification: Uncertain significance for Rhabdoid tumor predisposition syndrome 2. Last evaluated: 2025-07-08. Review status: criteria provided, single submitter. Criteria: ACMG Guidelines, 2015. Collection method: clinical testing. Allele origin: germline. Inheritance: Autosomal dominant inheritance.
Comment: This variant (NM_003072.5:c.418T>C p.Ser140Pro) results in the substitution of serine with proline at codon 140 in the SMARCA4 protein. It is a rare variant that is absent from the large gnomAD population database (v4.1). To our knowledge, this variant has not been reported in individuals with SMARCA4-related conditions. In silico prediction from REVEL (PMID: 27666373) suggests that this variant may be benign. This variant is present in ClinVar (Accession: VCV000824657.16). In conclusion, since the available evidence is limited, the clinical significance of this variant is unclear at this time. Therefore, it is classified as a Variant of Uncertain Significance.

Genome-Nilou Lab
Classification: Uncertain significance for Intellectual disability, autosomal dominant 16. Last evaluated: 2021-07-15. Review status: criteria provided, single submitter. Criteria: ACMG Guidelines, 2015. Collection method: clinical testing. Allele origin: germline. Affected: no.

GeneDx
Classification: Uncertain significance. Last evaluated: 2020-02-25. Review status: criteria provided, single submitter. Criteria: GeneDx Variant Classification Process June 2021. Collection method: clinical testing. Allele origin: germline. Affected: yes.
Comment: Not observed in large population cohorts (Lek 2016); In silico analysis supports that this missense variant does not alter protein structure/function; Has not been previously published as pathogenic or benign to our knowledge

NM_003072.5(SMARCA4):c.418T>C (p.Ser140Pro)

Gene: SMARCA4 (SWI/SNF related BAF chromatin remodeling complex subunit ATPase 4; plus strand). Cytogenetic location: 19p13.2.
Variant type: single nucleotide variant.
Coding change: c.418T>C on transcript NM_003072.5 (MANE Select); coding-DNA position 418, T replaced by C.
Protein change: p.Ser140Pro; replaces serine 140 with proline.
Molecular consequence: missense variant. On other transcripts: non-coding transcript variant (1).
Genome position (GRCh38, 1-based): chr19:10,986,251, T>C. VCF-style: chr19-10986251-T-C. GRCh37 (hg19) VCF-style: chr19-11096927-T-C.
Other names: c.418T>C, p.Ser140Pro (NM_001128844.3, NM_001128845.2, NM_001128846.2 and 4 more transcripts); short protein forms S140P.
Identifiers: ClinVar variation 824657 (VCV000824657.18), dbSNP rs1022140074, ClinGen allele CA305286622.